The following is an entry in ClinVar:

NM_000899.5(KITLG):c.192+14_192+18delinsCAAAA

Gene: KITLG (KIT ligand; minus strand). Cytogenetic location: 12q21.32.
Variant type: Indel.
Coding change: c.192+14_192+18delinsCAAAA on transcript NM_000899.5 (MANE Select); bases 14 to 18 of the intron after coding-DNA position 192, ATTTC replaced by CAAAA.
Molecular consequence: intron variant.
Genome position (GRCh38, 1-based): chr12:88,532,423-88,532,427, GAAAT replaced by TTTTG on the plus strand (ATTTC replaced by CAAAA on the coding strand, the reverse complement: KITLG is on the minus strand). VCF-style: chr12-88532423-GAAAT-TTTTG. GRCh37 (hg19) VCF-style: chr12-88926200-GAAAT-TTTTG.
Other names: c.192+14_192+18delinsCAAAA (NM_003994.6).
Identifiers: ClinVar variation 3726623 (VCV003726623.2).

ClinVar aggregate classification (germline): Uncertain significance (1 of 4 stars; one submission).

Submission:

Labcorp Genetics (formerly Invitae), Labcorp
Classification: Uncertain significance. Last evaluated: 2024-12-05. Review status: criteria provided, single submitter. Criteria: Invitae Variant Classification Sherloc (09022015). Collection method: clinical testing. Allele origin: germline.
Comment: This sequence change falls in intron 3 of the KITLG gene. It does not directly change the encoded amino acid sequence of the KITLG protein. Information on the frequency of this variant in the gnomAD database is not available, as this variant may be reported differently in the database. This variant has not been reported in the literature in individuals affected with KITLG-related conditions. Experimental studies and prediction algorithms are not available or were not evaluated, and the functional significance of this variant is currently unknown. In summary, the available evidence is currently insufficient to determine the role of this variant in disease. Therefore, it has been classified as a Variant of Uncertain Significance.